The following is an entry in ClinVar:

ClinVar aggregate classification (germline): Uncertain significance (0 of 4 stars; one submission).

Conditions:
TBX4-related disorder. Also called: TBX4-related condition; TBX4-related disorders.

Allele frequency attached by ClinVar (database versions not stated): TOPMed 0.00001; gnomAD exomes 0.00004; ExAC 0.00007.
gnomAD v4.1: 60 of 1,614,102 alleles (0.0037%); highest among the groups gnomAD compares: South Asian, 0.02%; no homozygotes.

Submission:

PreventionGenetics, part of Exact Sciences
Classification: Uncertain significance for TBX4-related condition. Last evaluated: 2023-10-26. Review status: no assertion criteria provided. Collection method: clinical testing. Allele origin: germline.
Comment: The TBX4 c.922G>A variant is predicted to result in the amino acid substitution p.Gly308Arg. To our knowledge, this variant has not been reported in the literature. This variant is reported in 0.020% of alleles in individuals of South Asian descent in gnomAD. At this time, the clinical significance of this variant is uncertain due to the absence of conclusive functional and genetic evidence.

NM_001321120.2(TBX4):c.922G>A (p.Gly308Arg)

Gene: TBX4 (T-box transcription factor 4; plus strand). Cytogenetic location: 17q23.2.
Variant type: single nucleotide variant.
Coding change: c.922G>A on transcript NM_001321120.2 (MANE Select); coding-DNA position 922, G replaced by A.
Protein change: p.Gly308Arg; replaces glycine 308 with arginine.
Molecular consequence: missense variant.
Genome position (GRCh38, 1-based): chr17:61,480,220, G>A. VCF-style: chr17-61480220-G-A. GRCh37 (hg19) VCF-style: chr17-59557581-G-A.
Other names: c.922G>A, p.Gly308Arg (NM_018488.3); short protein forms G308R.
Identifiers: ClinVar variation 3032218 (VCV003032218.2), dbSNP rs748587793, ClinGen allele CA8689967.
Genomic context (GRCh38, chr17:61,480,220, plus strand): 5'-CCGGACGTGGGCCCCCTGCTCGGCACCCACCAGGCACTCCAGCACTACCAGCACGAGAAC[G>A]GGGCACACTCACAGCTCGCGGAGCCGCAGGACCTGCCCCTCAGCACCTTTCCCACCCAGA-3'
Protein context (NP_001308049.1, residues 298-318): QALQHYQHEN[Gly308Arg]AHSQLAEPQD